The following is an entry in ClinVar:

NM_002900.3(RBP3):c.1848C>G (p.Ile616Met)

Gene: RBP3 (retinol binding protein 3; plus strand). Cytogenetic location: 10q11.22.
Variant type: single nucleotide variant.
Coding change: c.1848C>G on transcript NM_002900.3 (MANE Select); coding-DNA position 1848, C replaced by G.
Protein change: p.Ile616Met; replaces isoleucine 616 with methionine.
Molecular consequence: missense variant.
Genome position (GRCh38, 1-based): chr10:47,350,332, C>G. VCF-style: chr10-47350332-C-G. GRCh37 (hg19) VCF-style: chr10-48389030-G-C.
Other names: short protein forms I616M.
Identifiers: ClinVar variation 852356 (VCV000852356.8), dbSNP rs782370605, ClinGen allele CA206463794.

ClinVar aggregate classification (germline): Uncertain significance. Review status: criteria provided, multiple submitters, no conflicts (2 of 4 stars). 2 submissions from 2 submitters: Uncertain significance (2). Last evaluated 2021-09-01.

Allele frequency attached by ClinVar (database versions not stated): TOPMed 0.00002.

Submissions (2):

Labcorp Genetics (formerly Invitae), Labcorp
Classification: Uncertain significance. Last evaluated: 2021-09-01. Review status: criteria provided, single submitter. Criteria: Invitae Variant Classification Sherloc (09022015). Collection method: clinical testing. Allele origin: germline.
Comment: This sequence change replaces isoleucine with methionine at codon 616 of the RBP3 protein (p.Ile616Met). The isoleucine residue is highly conserved and there is a small physicochemical difference between isoleucine and methionine. This variant is not present in population databases (ExAC no frequency). This variant has not been reported in the literature in individuals affected with RBP3-related conditions. Algorithms developed to predict the effect of missense changes on protein structure and function are either unavailable or do not agree on the potential impact of this missense change (SIFT: "Deleterious"; PolyPhen-2: "Possibly Damaging"; Align-GVGD: "Class C0"). In summary, the available evidence is currently insufficient to determine the role of this variant in disease. Therefore, it has been classified as a Variant of Uncertain Significance.

Blueprint Genetics
Classification: Uncertain significance. Last evaluated: 2018-06-13. Review status: criteria provided, single submitter. Criteria: ACMG Guidelines, 2015. Collection method: clinical testing. Allele origin: germline.